The following is an entry in ClinVar:

NM_012330.4(KAT6B):c.4589G>A (p.Gly1530Glu)

Gene: KAT6B (lysine acetyltransferase 6B; plus strand). Cytogenetic location: 10q22.2.
Variant type: single nucleotide variant.
Coding change: c.4589G>A on transcript NM_012330.4 (MANE Select); coding-DNA position 4589, G replaced by A.
Protein change: p.Gly1530Glu; replaces glycine 1530 with glutamic acid.
Molecular consequence: missense variant.
Genome position (GRCh38, 1-based): chr10:75,029,413, G>A. VCF-style: chr10-75029413-G-A. GRCh37 (hg19) VCF-style: chr10-76789171-G-A.
Other names: c.4040G>A, p.Gly1347Glu (NM_001256468.2, NM_001370138.1); c.3713G>A, p.Gly1238Glu (NM_001256469.2, NM_001370139.1, NM_001370140.1 and 2 more transcripts); c.3551G>A, p.Gly1184Glu (NM_001370132.1); c.2900G>A, p.Gly967Glu (NM_001370133.1); c.2504G>A, p.Gly835Glu (NM_001370134.1); c.2246G>A, p.Gly749Glu (NM_001370135.1); c.4589G>A, p.Gly1530Glu (NM_001370136.1, NM_001370137.1); c.3524G>A, p.Gly1175Glu (NM_001370143.1, NM_001370144.1); short protein forms G1175E, G1238E, G1184E, G835E, G967E, G1347E, G1530E, G749E.
Identifiers: ClinVar variation 4779099 (VCV004779099.1).

ClinVar aggregate classification (germline): Uncertain significance (1 of 4 stars; one submission).

Conditions:
Genitopatellar syndrome (GTPTS). Also called: Genitopatellar syndrome (GPS); ABSENT PATELLAE, SCROTAL HYPOPLASIA, RENAL ANOMALIES, FACIAL DYSMORPHISM, AND MENTAL RETARDATION. Identifiers: Orphanet 85201, MedGen C1853566, MONDO:0011640, OMIM 606170.

gnomAD v4.1: 2 of 1,613,890 alleles (0.00012%); highest among the groups gnomAD compares: Non-Finnish European, 0.00017%; no homozygotes.

Submission:

Labcorp Genetics (formerly Invitae), Labcorp
Classification: Uncertain significance for Genitopatellar syndrome. Last evaluated: 2025-09-02. Review status: criteria provided, single submitter. Criteria: Invitae Variant Classification Sherloc (09022015). Collection method: clinical testing. Allele origin: germline.
Comment: This sequence change replaces glycine, which is neutral and non-polar, with glutamic acid, which is acidic and polar, at codon 1530 of the KAT6B protein (p.Gly1530Glu). This variant is not present in population databases (gnomAD no frequency). This variant has not been reported in the literature in individuals affected with KAT6B-related conditions. An algorithm developed to predict the effect of missense changes on protein structure and function outputs the following: PolyPhen-2: "Benign". The glutamic acid amino acid residue is found in multiple mammalian species, which suggests that this missense change does not adversely affect protein function. In summary, the available evidence is currently insufficient to determine the role of this variant in disease. Therefore, it has been classified as a Variant of Uncertain Significance.